The following is an entry in ClinVar:

ClinVar aggregate classification (germline): Pathogenic. Review status: criteria provided, multiple submitters, no conflicts (2 of 4 stars). 3 submissions from 3 submitters: Pathogenic (3). Last evaluated 2024-01-04.

Conditions:
Hereditary cancer-predisposing syndrome. Also called: Tumor predisposition; Hereditary Cancer Syndrome; Neoplastic Syndromes, Hereditary; Hereditary neoplastic syndrome. Identifiers: Orphanet 140162, MedGen C0027672, MeSH D009386, MONDO:0015356.
Breast-ovarian cancer, familial, susceptibility to, 4. Identifiers: Orphanet 145, MedGen C3280345, MONDO:0013669, OMIM 614291.

Submissions (3):

Myriad Genetics, Inc.
Classification: Pathogenic for Breast-ovarian cancer, familial, susceptibility to, 4. Last evaluated: 2024-01-04. Review status: criteria provided, single submitter. Criteria: Myriad Autosomal Dominant, Autosomal Recessive and X-Linked Classification Criteria (2023). Collection method: clinical testing. Allele origin: unknown.
Comment: This variant is considered pathogenic. This variant creates a frameshift predicted to result in premature protein truncation.

Labcorp Genetics (formerly Invitae), Labcorp
Classification: Pathogenic for Breast-ovarian cancer, familial, susceptibility to, 4. Last evaluated: 2023-07-10. Review status: criteria provided, single submitter. Criteria: Invitae Variant Classification Sherloc (09022015). Collection method: clinical testing. Allele origin: germline.
Comment: This variant has not been reported in the literature in individuals affected with RAD51D-related conditions. For these reasons, this variant has been classified as Pathogenic. Algorithms developed to predict the effect of sequence changes on RNA splicing suggest that this variant may disrupt the consensus splice site. ClinVar contains an entry for this variant (Variation ID: 1795413). This variant is not present in population databases (gnomAD no frequency). This sequence change creates a premature translational stop signal (p.Lys91Asnfs*12) in the RAD51D gene. It is expected to result in an absent or disrupted protein product. Loss-of-function variants in RAD51D are known to be pathogenic (PMID: 21822267).

Ambry Genetics
Classification: Pathogenic for Hereditary cancer-predisposing syndrome. Last evaluated: 2022-04-19. Review status: criteria provided, single submitter. Criteria: Ambry Variant Classification Scheme 2023. Collection method: clinical testing. Allele origin: germline.
Comment: The c.273delA pathogenic mutation, located in coding exon 4 of the RAD51D gene, results from a deletion of one nucleotide at nucleotide position 273, causing a translational frameshift with a predicted alternate stop codon (p.K91Nfs*12). This variant is considered to be rare based on population cohorts in the Genome Aggregation Database (gnomAD). This alteration is expected to result in loss of function by premature protein truncation or nonsense-mediated mRNA decay. As such, this alteration is interpreted as a disease-causing mutation.

Literature cited by the submitters: PubMed 21822267 (cited by Labcorp Genetics (formerly Invitae), Labcorp).

NM_002878.4(RAD51D):c.273del (p.Lys91fs)

Genes: RAD51L3-RFFL (RAD51L3-RFFL readthrough; minus strand), RAD51D (RAD51 paralog D; minus strand). Cytogenetic location: 17q12.
Variant type: Deletion.
Coding change: c.273del on transcript NM_002878.4 (MANE Select); coding-DNA position 273, one base deleted (A; older notation c.273delA).
Protein change: p.Lys91fs; shifts the reading frame from lysine 91.
Molecular consequence: frameshift variant. On other transcripts: non-coding transcript variant (2), intron variant (1).
Genome position (GRCh38, 1-based): chr17:35,107,438, T deleted on the plus strand (A on the coding strand, the reverse complement: RAD51D is on the minus strand); the first of 3 consecutive T bases (chr17:35,107,438-35,107,440); deleting any one gives the same sequence. VCF-style (leftmost placement, unchanged base first): chr17-35107437-GT-G. GRCh37 (hg19) VCF-style: chr17-33434456-GT-G.
Other names: c.145-957del (NM_133629.3); c.333del, p.Lys111fs (NM_001142571.2); c.273delA (NM_002878.3); short protein forms K111fs, K91fs.
Identifiers: ClinVar variation 1795413 (VCV001795413.7), dbSNP rs2509143339, ClinGen allele CA2576231964.